The following is an entry in ClinVar:

NM_001605.3(AARS1):c.1429G>A (p.Gly477Ser)

Gene: AARS1 (alanyl-tRNA synthetase 1; minus strand). Cytogenetic location: 16q22.1.
Variant type: single nucleotide variant.
Coding change: c.1429G>A on transcript NM_001605.3 (MANE Select); coding-DNA position 1429, G replaced by A.
Protein change: p.Gly477Ser; replaces glycine 477 with serine.
Molecular consequence: missense variant.
Genome position (GRCh38, 1-based): chr16:70,265,021, C>T on the plus strand (G>A on the coding strand, the complement: AARS1 is on the minus strand). VCF-style: chr16-70265021-C-T. GRCh37 (hg19) VCF-style: chr16-70298924-C-T.
Other names: short protein forms G477S.
Identifiers: ClinVar variation 810834 (VCV000810834.5), dbSNP rs1228135551, ClinGen allele CA396561237.

ClinVar aggregate classification (germline): Uncertain significance. Review status: criteria provided, multiple submitters, no conflicts (2 of 4 stars). 2 submissions from 2 submitters: Uncertain significance (2). Last evaluated 2022-10-16.

Conditions:
Charcot-Marie-Tooth disease type 2. Also called: Charcot-Marie-Tooth type 2. Identifiers: Orphanet 64746, MedGen C0270914, MONDO:0018993.
Charcot-Marie-Tooth disease. Also called: Charcot-Marie-Tooth Neuropathy; Charcot-Marie-Tooth Hereditary Neuropathy. Identifiers: Orphanet 166, MedGen C0007959, MONDO:0015626.

Submissions (2):

Labcorp Genetics (formerly Invitae), Labcorp
Classification: Uncertain significance for Charcot-Marie-Tooth disease type 2. Last evaluated: 2022-10-16. Review status: criteria provided, single submitter. Criteria: Invitae Variant Classification Sherloc (09022015). Collection method: clinical testing. Allele origin: germline.
Comment: This sequence change replaces glycine, which is neutral and non-polar, with serine, which is neutral and polar, at codon 477 of the AARS protein (p.Gly477Ser). This variant is present in population databases (no rsID available, gnomAD 0.003%). This missense change has been observed in individual(s) with Charcot-Marie-Tooth disease (PMID: 32376792). ClinVar contains an entry for this variant (Variation ID: 810834). Algorithms developed to predict the effect of missense changes on protein structure and function output the following: SIFT: "Tolerated"; PolyPhen-2: "Benign"; Align-GVGD: "Class C0". The serine amino acid residue is found in multiple mammalian species, which suggests that this missense change does not adversely affect protein function. In summary, the available evidence is currently insufficient to determine the role of this variant in disease. Therefore, it has been classified as a Variant of Uncertain Significance.

Molecular Genetics Laboratory, London Health Sciences Centre
Classification: Uncertain significance for Charcot-Marie-Tooth disease. Review status: criteria provided, single submitter. Criteria: ACMG Guidelines, 2015. Collection method: clinical testing. Allele origin: germline. Affected: yes.

Literature cited by the submitters: PubMed 32376792 (cited by Labcorp Genetics (formerly Invitae), Labcorp).